The following is an entry in ClinVar:

NM_198994.3(TGM6):c.951C>T (p.Phe317=)

Gene: TGM6 (transglutaminase 6; plus strand). Cytogenetic location: 20p13.
Variant type: single nucleotide variant.
Coding change: c.951C>T on transcript NM_198994.3 (MANE Select); coding-DNA position 951, C replaced by T.
Protein change: p.Phe317=; no amino-acid change (phenylalanine 317 retained).
Molecular consequence: synonymous variant.
Genome position (GRCh38, 1-based): chr20:2,400,406, C>T. VCF-style: chr20-2400406-C-T. GRCh37 (hg19) VCF-style: chr20-2381052-C-T.
Other names: c.951C>T, p.Phe317= (NM_001254734.2).
Identifiers: ClinVar variation 895402 (VCV000895402.44), dbSNP rs201333931, ClinGen allele CA9731893.

ClinVar aggregate classification (germline): Benign/Likely benign. Review status: criteria provided, multiple submitters, no conflicts (2 of 4 stars). 4 submissions from 4 submitters: Benign (1); Likely benign (3). Last evaluated 2024-09-16.

Conditions:
Spinocerebellar ataxia type 35. Identifiers: Orphanet 276193, MedGen C3888031, MONDO:0013485, OMIM 613908.

Allele frequency attached by ClinVar (database versions not stated): ESP Exome Variant Server 0.00008; gnomAD 0.00009 and 0.00010; ExAC 0.00011; gnomAD exomes 0.00012 and 0.00020; TOPMed 0.00015; 1000 Genomes Project 0.00020; 1000 Genomes Project 30x 0.00047.
gnomAD v4.1: 306 of 1,614,176 alleles (0.019%); highest among the groups gnomAD compares: Non-Finnish European, 0.025%; no homozygotes.

Submissions (4):

Blueprint Genetics
Classification: Likely benign. Last evaluated: 2024-09-16. Review status: criteria provided, single submitter. Criteria: ACMG Guidelines, 2015. Collection method: clinical testing. Allele origin: germline.

Athena Diagnostics
Classification: Benign. Last evaluated: 2020-11-17. Review status: criteria provided, single submitter. Criteria: Athena Diagnostics criteria. Collection method: clinical testing. Allele origin: unknown.

CeGaT Center for Human Genetics Tuebingen
Classification: Likely benign. Last evaluated: 2020-11-01. Review status: criteria provided, single submitter. Criteria: CeGaT Center For Human Genetics Tuebingen Variant Classification Criteria Version 2. Collection method: clinical testing. Allele origin: germline. Affected: yes. Observed: 1 variant allele.

Illumina Laboratory Services, Illumina
Classification: Likely benign for Spinocerebellar ataxia type 35. Last evaluated: 2018-01-13. Review status: criteria provided, single submitter. Criteria: ICSL Variant Classification Criteria 13 December 2019. Collection method: clinical testing. Allele origin: germline.
Comment: This variant was observed in the ICSL laboratory as part of a predisposition screen in an ostensibly healthy population. It had not been previously curated by ICSL or reported in the Human Gene Mutation Database (HGMD: prior to June 1st, 2018), and was therefore a candidate for classification through an automated scoring system. Utilizing variant allele frequency, disease prevalence and penetrance estimates, and inheritance mode, an automated score was calculated to assess if this variant is too frequent to cause the disease. Based on the score and internal cut-off values, a variant classified as likely benign is not then subjected to further curation. The score for this variant resulted in a classification of likely benign for this disease.